The following is an entry in ClinVar:

NM_006206.6(PDGFRA):c.-13+10679C>T

Gene: PDGFRA (platelet derived growth factor receptor alpha; plus strand). Cytogenetic location: 4q12.
Variant type: single nucleotide variant.
Coding change: c.-13+10679C>T on transcript NM_006206.6 (MANE Select); 10679 bases into the intron after 13 bases upstream of the start codon, C replaced by T.
Molecular consequence: intron variant. On other transcripts: synonymous variant (1).
Genome position (GRCh38, 1-based): chr4:54,240,094, C>T. VCF-style: chr4-54240094-C-T. GRCh37 (hg19) VCF-style: chr4-55106261-C-T.
Other names: c.42C>T, p.Ile14= (NM_001347828.2); c.-13+10679C>T (NM_001347827.2); c.-13+6651C>T (NM_001347829.2); c.27+5596C>T (NM_001347830.2).
Identifiers: ClinVar variation 3031822 (VCV003031822.2), dbSNP rs191482386, ClinGen allele CA2922184.

ClinVar aggregate classification (germline): Likely benign (0 of 4 stars; one submission).

Conditions:
PDGFRA-related disorder. Also called: PDGFRA-related condition.

Allele frequency attached by ClinVar (database versions not stated): TOPMed 0.00006; gnomAD 0.00008; ExAC 0.00016; 1000 Genomes Project 0.00060; 1000 Genomes Project 30x 0.00094.
gnomAD v4.1: 26 of 404,822 alleles (0.0064%); highest among the groups gnomAD compares: East Asian, 0.23%; no homozygotes.

Submission:

PreventionGenetics, part of Exact Sciences
Classification: Likely benign for PDGFRA-related condition. Last evaluated: 2024-02-14. Review status: no assertion criteria provided. Collection method: clinical testing. Allele origin: germline.
Comment: This variant is classified as likely benign based on ACMG/AMP sequence variant interpretation guidelines (Richards et al. 2015 PMID: 25741868, with internal and published modifications).